The following is an entry in ClinVar:

ClinVar aggregate classification (germline): Uncertain significance (1 of 4 stars; one submission).

Conditions:
SEMA3C-related disorder. Also called: SEMA3C-related condition.

Submission:

PreventionGenetics, part of Exact Sciences
Classification: Uncertain significance for SEMA3C-related condition. Last evaluated: 2025-11-12. Review status: criteria provided, single submitter. Criteria: ACMG Guidelines, 2015. Collection method: clinical testing. Allele origin: germline.
Comment: The SEMA3C c.2299C>T variant is predicted to result in the amino acid substitution p.Pro767Ser. To our knowledge, this variant has not been reported in the literature or in a large population database (gnomAD), indicating this variant is rare. At this time, the clinical significance of this variant is uncertain due to the absence of conclusive functional and genetic evidence.

NM_006379.5(SEMA3C):c.2245C>T (p.Pro749Ser)

Gene: SEMA3C (semaphorin 3C; minus strand). Cytogenetic location: 7q21.11.
Variant type: single nucleotide variant.
Coding change: c.2245C>T on transcript NM_006379.5 (MANE Select); coding-DNA position 2245, C replaced by T.
Protein change: p.Pro749Ser; replaces proline 749 with serine.
Molecular consequence: missense variant.
Genome position (GRCh38, 1-based): chr7:80,744,905, G>A on the plus strand (C>T on the coding strand, the complement: SEMA3C is on the minus strand). VCF-style: chr7-80744905-G-A. GRCh37 (hg19) VCF-style: chr7-80374221-G-A.
Other names: c.2299C>T, p.Pro767Ser (NM_001350120.2); c.2071C>T, p.Pro691Ser (NM_001350121.2); short protein forms P691S, P767S, P749S.
Identifiers: ClinVar variation 5000757 (VCV005000757.1).